The following is an entry in ClinVar:

ClinVar aggregate classification (germline): Uncertain significance (1 of 4 stars; one submission).

Conditions:
Cardiovascular phenotype. Identifiers: MedGen CN230736.

gnomAD v4.1: 1 of 1,612,870 alleles (0.000062%); highest among the groups gnomAD compares: African/African-American, 0.0013%; no homozygotes.

Submission:

Ambry Genetics
Classification: Uncertain significance for Cardiovascular phenotype. Last evaluated: 2021-09-30. Review status: criteria provided, single submitter. Criteria: Ambry Variant Classification Scheme 2023. Collection method: clinical testing. Allele origin: germline.
Comment: The p.F3516L variant (also known as c.10548T>G), located in coding exon 16 of the ALMS1 gene, results from a T to G substitution at nucleotide position 10548. The phenylalanine at codon 3516 is replaced by leucine, an amino acid with highly similar properties. This amino acid position is well conserved in available vertebrate species. In addition, this alteration is predicted to be tolerated by in silico analysis. Since supporting evidence is limited at this time, the clinical significance of this alteration remains unclear.

NM_001378454.1(ALMS1):c.10545T>G (p.Phe3515Leu)

Gene: ALMS1 (ALMS1 centrosome and basal body associated protein; plus strand). Cytogenetic location: 2p13.1.
Variant type: single nucleotide variant.
Coding change: c.10545T>G on transcript NM_001378454.1 (MANE Select); coding-DNA position 10545, T replaced by G.
Protein change: p.Phe3515Leu; replaces phenylalanine 3515 with leucine.
Molecular consequence: missense variant.
Genome position (GRCh38, 1-based): chr2:73,572,422, T>G. VCF-style: chr2-73572422-T-G. GRCh37 (hg19) VCF-style: chr2-73799549-T-G.
Other names: c.10548T>G, p.Phe3516Leu (NM_015120.4); short protein forms F3515L, F3516L.
Identifiers: ClinVar variation 1778017 (VCV001778017.2), dbSNP rs750147146, ClinGen allele CA347283534.